The following is an entry in ClinVar:

NM_005263.5(GFI1):c.914T>C (p.Val305Ala)

Gene: GFI1 (growth factor independent 1 transcriptional repressor; minus strand). Cytogenetic location: 1p22.1.
Variant type: single nucleotide variant.
Coding change: c.914T>C on transcript NM_005263.5 (MANE Select); coding-DNA position 914, T replaced by C.
Protein change: p.Val305Ala; replaces valine 305 with alanine.
Molecular consequence: missense variant.
Genome position (GRCh38, 1-based): chr1:92,480,358, A>G on the plus strand (T>C on the coding strand, the complement: GFI1 is on the minus strand). VCF-style: chr1-92480358-A-G. GRCh37 (hg19) VCF-style: chr1-92945915-A-G.
Other names: c.914T>C, p.Val305Ala (NM_001127215.3, NM_001127216.3); short protein forms V305A.
Identifiers: ClinVar variation 3099440 (VCV003099440.4), dbSNP rs1658165951, ClinGen allele CA341148429.
Genomic context (GRCh38, chr1:92,480,358, plus strand): 5'-GCAGAAGATCCCCGAGCAGGGCCGCGCGCGGCGGTGCGCCCCGCGCTTACCTGCGAGTGC[A>G]CGGCTTTGTGCTGCTCCAGGCTCACCGCGTGCCCGAAGGTCTTGCCGCACATCTCGCAGG-3'
Protein context (NP_005254.2, residues 295-315): HAVSLEQHKA[Val305Ala]HSQERSFDCK

ClinVar aggregate classification (germline): Uncertain significance. Review status: criteria provided, multiple submitters, no conflicts (2 of 4 stars). 2 submissions from 2 submitters: Uncertain significance (2). Last evaluated 2025-09-01.

Conditions:
Neutropenia, severe congenital, 2, autosomal dominant. Identifiers: Orphanet 486, MedGen C2751288, MONDO:0013139, OMIM 613107.

Allele frequency attached by ClinVar (database versions not stated): TOPMed below 0.00001.

Submissions (2):

Ambry Genetics
Classification: Uncertain significance. Last evaluated: 2025-09-01. Review status: criteria provided, single submitter. Criteria: Ambry Variant Classification Scheme 2023. Collection method: clinical testing. Allele origin: germline.
Comment: The p.V305A variant (also known as c.914T>C), located in coding exon 4 of the GFI1 gene, results from a T to C substitution at nucleotide position 914. The valine at codon 305 is replaced by alanine, an amino acid with similar properties. This amino acid position is conserved. In addition, this alteration is predicted to be tolerated by in silico analysis. Based on the available evidence, the clinical significance of this variant remains unclear.

Labcorp Genetics (formerly Invitae), Labcorp
Classification: Uncertain significance for Neutropenia, severe congenital, 2, autosomal dominant. Last evaluated: 2024-07-31. Review status: criteria provided, single submitter. Criteria: Invitae Variant Classification Sherloc (09022015). Collection method: clinical testing. Allele origin: germline.
Comment: This sequence change replaces valine, which is neutral and non-polar, with alanine, which is neutral and non-polar, at codon 305 of the GFI1 protein (p.Val305Ala). This variant is not present in population databases (gnomAD no frequency). This variant has not been reported in the literature in individuals affected with GFI1-related conditions. Advanced modeling of protein sequence and biophysical properties (such as structural, functional, and spatial information, amino acid conservation, physicochemical variation, residue mobility, and thermodynamic stability) performed at Invitae indicates that this missense variant is not expected to disrupt GFI1 protein function with a negative predictive value of 80%. In summary, the available evidence is currently insufficient to determine the role of this variant in disease. Therefore, it has been classified as a Variant of Uncertain Significance.